The following is an entry in ClinVar:

ClinVar aggregate classification (germline): Uncertain significance. Review status: criteria provided, multiple submitters, no conflicts (2 of 4 stars). 3 submissions from 3 submitters: Uncertain significance (3). Last evaluated 2025-11-27.

Conditions:
Inborn genetic diseases. Identifiers: MedGen C0950123, MeSH D030342.

Allele frequency attached by ClinVar (database versions not stated): ExAC 0.00001; gnomAD exomes 0.00002; gnomAD 0.00003 and 0.00004.
gnomAD v4.1: 21 of 1,613,990 alleles (0.0013%); highest among the groups gnomAD compares: Admixed American, 0.0067%; no homozygotes.

Submissions (3):

Labcorp Genetics (formerly Invitae), Labcorp
Classification: Uncertain significance. Last evaluated: 2025-11-27. Review status: criteria provided, single submitter. Criteria: Invitae Variant Classification Sherloc (09022015). Collection method: clinical testing. Allele origin: germline.
Comment: This sequence change replaces arginine, which is basic and polar, with histidine, which is basic and polar, at codon 114 of the FBLN5 protein (p.Arg114His). This variant is present in population databases (rs769874344, gnomAD 0.009%). This variant has not been reported in the literature in individuals affected with FBLN5-related conditions. ClinVar contains an entry for this variant (Variation ID: 1316486). Invitae Evidence Modeling of protein sequence and biophysical properties (such as structural, functional, and spatial information, amino acid conservation, physicochemical variation, residue mobility, and thermodynamic stability) indicates that this missense variant is not expected to disrupt FBLN5 protein function with a negative predictive value of 80%. In summary, the available evidence is currently insufficient to determine the role of this variant in disease. Therefore, it has been classified as a Variant of Uncertain Significance.

GeneDx
Classification: Uncertain significance. Last evaluated: 2024-02-27. Review status: criteria provided, single submitter. Criteria: GeneDx Variant Classification Process June 2021. Collection method: clinical testing. Allele origin: germline. Affected: yes.
Comment: Has not been previously published as pathogenic or benign to our knowledge; Not observed at significant frequency in large population cohorts (gnomAD); In silico analysis supports that this missense variant does not alter protein structure/function

Ambry Genetics
Classification: Uncertain significance for Inborn genetic diseases. Last evaluated: 2022-12-21. Review status: criteria provided, single submitter. Criteria: Ambry Variant Classification Scheme 2023. Collection method: clinical testing. Allele origin: germline.

NM_006329.4(FBLN5):c.341G>A (p.Arg114His)

Gene: FBLN5 (fibulin 5; minus strand). Cytogenetic location: 14q32.12.
Variant type: single nucleotide variant.
Coding change: c.341G>A on transcript NM_006329.4 (MANE Select); coding-DNA position 341, G replaced by A.
Protein change: p.Arg114His; replaces arginine 114 with histidine.
Molecular consequence: missense variant.
Genome position (GRCh38, 1-based): chr14:91,936,985, C>T on the plus strand (G>A on the coding strand, the complement: FBLN5 is on the minus strand). VCF-style: chr14-91936985-C-T. GRCh37 (hg19) VCF-style: chr14-92403329-C-T.
Other names: c.464G>A, p.Arg155His (NM_001384158.1); c.392G>A, p.Arg131His (NM_001384159.1); c.341G>A, p.Arg114His (NM_001384160.1); c.173G>A, p.Arg58His (NM_001384161.1, NM_001384162.1); short protein forms R114H, R131H, R155H, R58H.
Identifiers: ClinVar variation 1316486 (VCV001316486.8), dbSNP rs769874344, ClinGen allele CA7312874.